The following is an entry in ClinVar:

NM_002645.4(PIK3C2A):c.3386T>C (p.Met1129Thr)

Gene: PIK3C2A (phosphatidylinositol-4-phosphate 3-kinase catalytic subunit type 2 alpha; minus strand). Cytogenetic location: 11p15.1.
Variant type: single nucleotide variant.
Coding change: c.3386T>C on transcript NM_002645.4 (MANE Select); coding-DNA position 3386, T replaced by C.
Protein change: p.Met1129Thr; replaces methionine 1129 with threonine.
Molecular consequence: missense variant.
Genome position (GRCh38, 1-based): chr11:17,112,602, A>G on the plus strand (T>C on the coding strand, the complement: PIK3C2A is on the minus strand). VCF-style: chr11-17112602-A-G. GRCh37 (hg19) VCF-style: chr11-17134149-A-G.
Other names: c.3386T>C, p.Met1129Thr (NM_001321378.2); c.2246T>C, p.Met749Thr (NM_001321380.2); c.3218T>C, p.Met1073Thr (NM_001386870.1); short protein forms M1129T, M1073T, M749T.
Identifiers: ClinVar variation 2347774 (VCV002347774.6), dbSNP rs534820406, ClinGen allele CA5900802.

ClinVar aggregate classification (germline): Uncertain significance. Review status: criteria provided, multiple submitters, no conflicts (2 of 4 stars). 2 submissions from 2 submitters: Uncertain significance (2). Last evaluated 2025-05-20.

Allele frequency attached by ClinVar (database versions not stated): ExAC 0.00001; gnomAD 0.00001; TOPMed 0.00001; gnomAD exomes 0.00003.

Submissions (2):

Ambry Genetics
Classification: Uncertain significance. Last evaluated: 2025-05-20. Review status: criteria provided, single submitter. Criteria: Ambry Variant Classification Scheme 2023. Collection method: clinical testing. Allele origin: germline.

Labcorp Genetics (formerly Invitae), Labcorp
Classification: Uncertain significance. Last evaluated: 2023-05-13. Review status: criteria provided, single submitter. Criteria: Invitae Variant Classification Sherloc (09022015). Collection method: clinical testing. Allele origin: germline.
Comment: In summary, the available evidence is currently insufficient to determine the role of this variant in disease. Therefore, it has been classified as a Variant of Uncertain Significance. Experimental studies and prediction algorithms are not available or were not evaluated, and the functional significance of this variant is currently unknown. ClinVar contains an entry for this variant (Variation ID: 2347774). This variant has not been reported in the literature in individuals affected with PIK3C2A-related conditions. This variant is present in population databases (rs534820406, gnomAD 0.002%). This sequence change replaces methionine, which is neutral and non-polar, with threonine, which is neutral and polar, at codon 1129 of the PIK3C2A protein (p.Met1129Thr).